The following is an entry in ClinVar:

ClinVar aggregate classification (germline): Uncertain significance (1 of 4 stars; one submission).

Allele frequency attached by ClinVar (database versions not stated): gnomAD exomes below 0.00001; ExAC 0.00002.
gnomAD v4.1: 5 of 1,604,532 alleles (0.00031%); highest among the groups gnomAD compares: South Asian, 0.0022%; no homozygotes.

Submission:

GeneDx
Classification: Uncertain significance. Last evaluated: 2022-12-27. Review status: criteria provided, single submitter. Criteria: GeneDx Variant Classification Process June 2021. Collection method: clinical testing. Allele origin: germline. Affected: yes.
Comment: In silico analysis supports that this missense variant has a deleterious effect on protein structure/function; Has not been previously published as pathogenic or benign to our knowledge

NM_001282116.2(RFX3):c.1819A>G (p.Met607Val)

Gene: RFX3 (regulatory factor X3; minus strand). Cytogenetic location: 9p24.2.
Variant type: single nucleotide variant.
Coding change: c.1819A>G on transcript NM_001282116.2 (MANE Select); coding-DNA position 1819, A replaced by G.
Protein change: p.Met607Val; replaces methionine 607 with valine.
Molecular consequence: missense variant.
Genome position (GRCh38, 1-based): chr9:3,248,181, T>C on the plus strand (A>G on the coding strand, the complement: RFX3 is on the minus strand). VCF-style: chr9-3248181-T-C. GRCh37 (hg19) VCF-style: chr9-3248181-T-C.
Other names: c.1819A>G, p.Met607Val (NM_001377999.1, NM_002919.4, NM_134428.3); short protein forms M607V.
Identifiers: ClinVar variation 2507117 (VCV002507117.1), dbSNP rs763979703, ClinGen allele CA4967028.